The following is an entry in ClinVar:

NM_005732.4(RAD50):c.1457G>C (p.Arg486Pro)

Gene: RAD50 (RAD50 double strand break repair protein; plus strand). Cytogenetic location: 5q31.1.
Variant type: single nucleotide variant.
Coding change: c.1457G>C on transcript NM_005732.4 (MANE Select); coding-DNA position 1457, G replaced by C.
Protein change: p.Arg486Pro; replaces arginine 486 with proline.
Molecular consequence: missense variant.
Genome position (GRCh38, 1-based): chr5:132,591,228, G>C. VCF-style: chr5-132591228-G-C. GRCh37 (hg19) VCF-style: chr5-131926920-G-C.
Other names: short protein forms R486P.
Identifiers: ClinVar variation 2829774 (VCV002829774.4), dbSNP rs776949511, ClinGen allele CA360945429.
Genomic context (GRCh38, chr5:132,591,228, plus strand): 5'-TTTAATTCTTGCACAAAATATATAACACCTTTGCATTTGTATGAATTATTGACTAGGAAC[G>C]TGAGTTAAGCAAGGCTGAGAAAAACAGCAATGTAGAAACCTTAAAAATGGAAGTAATAAG-3'
Protein context (NP_005723.2, residues 476-496): ELDQELIKAE[Arg486Pro]ELSKAEKNSN

ClinVar aggregate classification (germline): Uncertain significance. Review status: criteria provided, multiple submitters, no conflicts (2 of 4 stars). 2 submissions from 2 submitters: Uncertain significance (2). Last evaluated 2025-02-05.

Conditions:
Hereditary cancer-predisposing syndrome. Also called: Neoplastic Syndromes, Hereditary; Tumor predisposition; Hereditary Cancer Syndrome; Hereditary neoplastic syndrome. Identifiers: Orphanet 140162, MedGen C0027672, MeSH D009386, MONDO:0015356.
Nijmegen breakage syndrome-like disorder (NBSLD). Also called: MICROCEPHALY AND SPONTANEOUS CHROMOSOME INSTABILITY WITHOUT IMMUNODEFICIENCY; NBS-LIKE DISORDER; RAD50 DEFICIENCY. Identifiers: Orphanet 240760, MedGen C2751318, MONDO:0013118, OMIM 613078.

Submissions (2):

St. Jude Molecular Pathology, St. Jude Children's Research Hospital
Classification: Uncertain significance for Nijmegen breakage syndrome-like disorder. Last evaluated: 2025-02-05. Review status: criteria provided, single submitter. Criteria: St. Jude Assertion Criteria 2020. Collection method: clinical testing. Allele origin: germline.
Comment: The RAD50 c.1457G>C (p.Arg486Pro) missense change is absent in gnomAD v2.1.1. The in silico tool REVEL predicts a benign effect on protein function, but to our knowledge this prediction has not been confirmed by functional studies. To our knowledge this variant has not been reported in individuals with RAD50-associated conditions. In summary, the evidence currently available is insufficient to determine the clinical significance of this variant. It has therefore been classified as of uncertain significance.

Labcorp Genetics (formerly Invitae), Labcorp
Classification: Uncertain significance for Hereditary cancer-predisposing syndrome. Last evaluated: 2023-01-18. Review status: criteria provided, single submitter. Criteria: Invitae Variant Classification Sherloc (09022015). Collection method: clinical testing. Allele origin: germline.
Comment: In summary, the available evidence is currently insufficient to determine the role of this variant in disease. Therefore, it has been classified as a Variant of Uncertain Significance. Advanced modeling of protein sequence and biophysical properties (such as structural, functional, and spatial information, amino acid conservation, physicochemical variation, residue mobility, and thermodynamic stability) performed at Invitae indicates that this missense variant is expected to disrupt RAD50 protein function. This variant has not been reported in the literature in individuals affected with RAD50-related conditions. This variant is not present in population databases (gnomAD no frequency). This sequence change replaces arginine, which is basic and polar, with proline, which is neutral and non-polar, at codon 486 of the RAD50 protein (p.Arg486Pro).